The following is an entry in ClinVar:

ClinVar aggregate classification (germline): Likely benign (1 of 4 stars; one submission).

Allele frequency attached by ClinVar (database versions not stated): gnomAD below 0.00001 and 0.00001; gnomAD exomes below 0.00001.
gnomAD v4.1: 5 of 1,613,934 alleles (0.00031%); highest among the groups gnomAD compares: South Asian, 0.0022%; no homozygotes.

Submission:

GeneDx
Classification: Likely benign. Last evaluated: 2017-03-14. Review status: criteria provided, single submitter. Criteria: GeneDx Variant Classification (06012015). Collection method: clinical testing. Allele origin: germline. Affected: yes.
Comment: This variant is considered likely benign or benign based on one or more of the following criteria: it is a conservative change, it occurs at a poorly conserved position in the protein, it is predicted to be benign by multiple in silico algorithms, and/or has population frequency not consistent with disease.

NM_018249.6(CDK5RAP2):c.5313A>G (p.Pro1771=)

Gene: CDK5RAP2 (CDK5 regulatory subunit associated protein 2; minus strand). Cytogenetic location: 9q33.2.
Variant type: single nucleotide variant.
Coding change: c.5313A>G on transcript NM_018249.6 (MANE Select); coding-DNA position 5313, A replaced by G.
Protein change: p.Pro1771=; no amino-acid change (proline 1771 retained).
Molecular consequence: synonymous variant. On other transcripts: non-coding transcript variant (5).
Genome position (GRCh38, 1-based): chr9:120,400,880, T>C on the plus strand (A>G on the coding strand, the complement: CDK5RAP2 is on the minus strand). VCF-style: chr9-120400880-T-C. GRCh37 (hg19) VCF-style: chr9-123163158-T-C.
Other names: c.5076A>G, p.Pro1692= (NM_001011649.3); c.4623A>G, p.Pro1541= (NM_001272039.2).
Identifiers: ClinVar variation 517801 (VCV000517801.1), dbSNP rs1554727598, ClinGen allele CA466921065.
Genomic context (GRCh38, chr9:120,400,880, plus strand): 5'-TTCCAGGGTCAGCTTGGCCGTGCTCACACTGCTCACAAACTTGCTCAGTGGTGCTGGGTG[T>C]GGACCCTACACGGGGGATATGAAGGCTGTTACGTGCAGTCTTGAAAAAGATTTTAGACAA-3'
Protein context (NP_060719.4, residues 1761-1781): STSQELGTKG[Pro1771=]HPAPLSKFVS